The following is an entry in ClinVar:

ClinVar aggregate classification (germline): Likely pathogenic (1 of 4 stars; one submission).

Conditions:
Treacher Collins syndrome 1 (TCS1). Also called: TCOF1-Related Treacher Collins Syndrome. Identifiers: Orphanet 861, MedGen CN315775, MONDO:0007944, OMIM 154500.

Submission:

Labcorp Genetics (formerly Invitae), Labcorp
Classification: Likely pathogenic for Treacher Collins syndrome 1. Last evaluated: 2016-07-22. Review status: criteria provided, single submitter. Criteria: Invitae Variant Classification Sherloc (09022015). Collection method: clinical testing. Allele origin: germline.
Comment: This variant is a gross deletion of the genomic region encompassing exons 24-26 of the TCOF1 gene. The 5' boundary is likely confined to intron 23. The 3' end of this event is unknown as it extends through the termination codon beyond the assayed region for this gene and may encompass additional genes. While this deletion is not anticipated to result in nonsense mediated decay, it is expected to create a truncated TCOF1 protein. This variant has not been reported in the literature in individuals with a TCOF1-related disease. Experimental studies have shown that the final 160-190 amino acids of the TCOF1 protein contain nuclear and nucleolar localization signals. Deletion of these residues leads to mislocalization of the protein in cell culture-based assays (PMID: 9811939, 9736782). In summary, this is a novel truncating variant that is expected to disrupt TCOF1 protein localization. However, in the absence of additional functional and/or genetic data, this variant has been classified as Likely Pathogenic.

NC_000005.10:g.(?_150396282)_(150399070_?)del

Genes: TCOF1 (treacle ribosome biogenesis factor 1; plus strand), LOC129994988 (ATAC-STARR-seq lymphoblastoid active region 23401; plus strand), LOC129994989 (ATAC-STARR-seq lymphoblastoid active region 23402; plus strand). Cytogenetic location: 5q32.
Variant type: Deletion.
Identifiers: ClinVar variation 477614 (VCV000477614.1).